The following is an entry in ClinVar:

ClinVar aggregate classification (germline): Uncertain significance (1 of 4 stars; one submission).

gnomAD v4.1: 6 of 1,545,680 alleles (0.00039%); highest among the groups gnomAD compares: Admixed American, 0.0067%; no homozygotes.

Submission:

Labcorp Genetics (formerly Invitae), Labcorp
Classification: Uncertain significance. Last evaluated: 2025-10-07. Review status: criteria provided, single submitter. Criteria: Invitae Variant Classification Sherloc (09022015). Collection method: clinical testing. Allele origin: germline.
Comment: This sequence change falls in intron 23 of the VAV1 gene. It does not directly change the encoded amino acid sequence of the VAV1 protein. It affects a nucleotide within the consensus splice site. This variant is present in population databases (rs779389159, gnomAD 0.001%). This variant has not been reported in the literature in individuals affected with VAV1-related conditions. Variants that disrupt the consensus splice site are a relatively common cause of aberrant splicing (PMID: 17576681, 9536098). Algorithms developed to predict the effect of sequence changes on RNA splicing suggest that this variant is not likely to affect RNA splicing. In summary, the available evidence is currently insufficient to determine the role of this variant in disease. Therefore, it has been classified as a Variant of Uncertain Significance.

Literature cited by the submitters: PubMed 17576681; PubMed 9536098.

NM_005428.4(VAV1):c.2129+5C>G

Gene: VAV1 (vav guanine nucleotide exchange factor 1; plus strand). Cytogenetic location: 19p13.3.
Variant type: single nucleotide variant.
Coding change: c.2129+5C>G on transcript NM_005428.4 (MANE Select); 5 bases into the intron after coding-DNA position 2129, C replaced by G.
Molecular consequence: intron variant.
Genome position (GRCh38, 1-based): chr19:6,848,119, C>G. VCF-style: chr19-6848119-C-G. GRCh37 (hg19) VCF-style: chr19-6848130-C-G.
Other names: c.2063+5C>G (NM_001258206.2); c.2033+5C>G (NM_001258207.2).
Identifiers: ClinVar variation 4776077 (VCV004776077.1).